The following is an entry in ClinVar:

ClinVar aggregate classification (germline): Likely benign (0 of 4 stars; one submission).

Conditions:
THOC6-related disorder. Also called: THOC6-related condition.

Allele frequency attached by ClinVar (database versions not stated): ExAC 0.00001; gnomAD 0.00001; gnomAD exomes 0.00001; TOPMed 0.00003; ESP Exome Variant Server 0.00008.

Submission:

PreventionGenetics, part of Exact Sciences
Classification: Likely benign for THOC6-related condition. Last evaluated: 2019-08-14. Review status: no assertion criteria provided. Collection method: clinical testing. Allele origin: germline.
Comment: This variant is classified as likely benign based on ACMG/AMP sequence variant interpretation guidelines (Richards et al. 2015 PMID: 25741868, with internal and published modifications).

NM_024339.5(THOC6):c.237C>T (p.Val79=)

Gene: THOC6 (THO complex subunit 6; plus strand). Cytogenetic location: 16p13.3.
Variant type: single nucleotide variant.
Coding change: c.237C>T on transcript NM_024339.5 (MANE Select); coding-DNA position 237, C replaced by T.
Protein change: p.Val79=; no amino-acid change (valine 79 retained).
Molecular consequence: synonymous variant.
Genome position (GRCh38, 1-based): chr16:3,026,079, C>T. VCF-style: chr16-3026079-C-T. GRCh37 (hg19) VCF-style: chr16-3076080-C-T.
Other names: c.237C>T, p.Val79= (NM_001142350.3, NM_001347704.2); c.165C>T, p.Val55= (NM_001347703.2).
Identifiers: ClinVar variation 3035328 (VCV003035328.2), dbSNP rs146853721, ClinGen allele CA7854901.
Genomic context (GRCh38, chr16:3,026,079, plus strand): 5'-ACTTTGGGTGGGATTGGCTCACTCAGTTCTGCATTTCTCTTTAGCCCATGATGGGCCCGT[C>T]TATAGCATGGTTTCCACCGATCGACATCTGCTTAGTGCTGGGGATGGGGAGGTGAAGGCC-3'
Protein context (NP_077315.2, residues 69-89): VVTFQAHDGP[Val79=]YSMVSTDRHL